The following is an entry in ClinVar:

ClinVar aggregate classification (germline): Uncertain significance. Review status: criteria provided, multiple submitters, no conflicts (2 of 4 stars). 2 submissions from 2 submitters: Uncertain significance (2). Last evaluated 2025-08-24.

Conditions:
Inborn genetic diseases. Identifiers: MedGen C0950123, MeSH D030342.

Allele frequency attached by ClinVar (database versions not stated): gnomAD 0.00002; TOPMed 0.00002.
gnomAD v4.1: 37 of 1,613,136 alleles (0.0023%); highest among the groups gnomAD compares: African/African-American, 0.004%; no homozygotes.

Submissions (2):

Ambry Genetics
Classification: Uncertain significance for Inborn genetic diseases. Last evaluated: 2025-08-24. Review status: criteria provided, single submitter. Criteria: Ambry Variant Classification Scheme 2023. Collection method: clinical testing. Allele origin: germline.

Women's Health and Genetics/Laboratory Corporation of America, LabCorp
Classification: Uncertain significance. Last evaluated: 2024-04-09. Review status: criteria provided, single submitter. Criteria: LabCorp Variant Classification Summary - May 2015. Collection method: clinical testing. Allele origin: germline.
Comment: Variant summary: MAP1B c.2794G>A (p.Gly932Ser) results in a non-conservative amino acid change in the encoded protein sequence. Three of five in-silico tools predict a damaging effect of the variant on protein function. The variant allele was found at a frequency of 8e-06 in 250604 control chromosomes. The available data on variant occurrences in the general population are insufficient to allow any conclusion about variant significance. To our knowledge, no occurrence of c.2794G>A in individuals affected with Periventricular Nodular Heterotopia 9 and no experimental evidence demonstrating its impact on protein function have been reported. No submitters have cited clinical-significance assessments for this variant to ClinVar. Based on the evidence outlined above, the variant was classified as uncertain significance.

NM_005909.5(MAP1B):c.2794G>A (p.Gly932Ser)

Gene: MAP1B (microtubule associated protein 1B; plus strand). Cytogenetic location: 5q13.2.
Variant type: single nucleotide variant.
Coding change: c.2794G>A on transcript NM_005909.5 (MANE Select); coding-DNA position 2794, G replaced by A.
Protein change: p.Gly932Ser; replaces glycine 932 with serine.
Molecular consequence: missense variant.
Genome position (GRCh38, 1-based): chr5:72,196,149, G>A. VCF-style: chr5-72196149-G-A. GRCh37 (hg19) VCF-style: chr5-71491976-G-A.
Other names: c.2416G>A, p.Gly806Ser (NM_001324255.2); c.2794G>A (NM_005909.3); short protein forms G806S, G932S.
Identifiers: ClinVar variation 3251411 (VCV003251411.2), dbSNP rs775006260.
Genomic context (GRCh38, chr5:72,196,149, plus strand): 5'-CTGGAGCCCGTCGAGAAGCAGGGAGTAGACGACATTGAAAAATTTGAAGATGAAGGAGCC[G>A]GTTTTGAAGAATCTTCAGAGACTGGAGACTATGAAGAGAAGGCAGAAACTGAGGAGGCTG-3'
Protein context (NP_005900.2, residues 922-942): DIEKFEDEGA[Gly932Ser]FEESSETGDY